The following is an entry in ClinVar:

ClinVar aggregate classification (germline): Uncertain significance (1 of 4 stars; one submission).

Submission:

Ambry Genetics
Classification: Uncertain significance. Last evaluated: 2022-04-24. Review status: criteria provided, single submitter. Criteria: Ambry Variant Classification Scheme 2023. Collection method: clinical testing. Allele origin: germline.
Comment: The p.E498A variant (also known as c.1493A>C), located in coding exon 1 of the MLH3 gene, results from an A to C substitution at nucleotide position 1493. The glutamic acid at codon 498 is replaced by alanine, an amino acid with dissimilar properties. This amino acid position is conserved. In addition, this alteration is predicted to be tolerated by in silico analysis. Since supporting evidence is limited at this time, the clinical significance of this alteration remains unclear.

NM_001040108.2(MLH3):c.1493A>C (p.Glu498Ala)

Gene: MLH3 (mutL homolog 3; minus strand). Cytogenetic location: 14q24.3.
Variant type: single nucleotide variant.
Coding change: c.1493A>C on transcript NM_001040108.2 (MANE Select); coding-DNA position 1493, A replaced by C.
Protein change: p.Glu498Ala; replaces glutamic acid 498 with alanine.
Molecular consequence: missense variant.
Genome position (GRCh38, 1-based): chr14:75,048,163, T>G on the plus strand (A>C on the coding strand, the complement: MLH3 is on the minus strand). VCF-style: chr14-75048163-T-G. GRCh37 (hg19) VCF-style: chr14-75514866-T-G.
Other names: c.1493A>C, p.Glu498Ala (NM_014381.3); short protein forms E498A.
Identifiers: ClinVar variation 1773824 (VCV001773824.2), dbSNP rs1892394467, ClinGen allele CA390445355.
Genomic context (GRCh38, chr14:75,048,163, plus strand): 5'-AAGTGACATGGTGTCTGAAAAGGGCTTAAAAACATTTCTAAACTGGTTCCACACGGATTT[T>G]CTAAAGAGCTATGTTCCAGGAAAGATTTTTTATGTTTCTCATTTTCTCCAGCTTCTGATG-3'
Protein context (NP_001035197.1, residues 488-508): KKSFLEHSSL[Glu498Ala]NPCGTSLEMF